The following is an entry in ClinVar:

GRCh38/hg38 17p11.2(chr17:17726750-17797183)x1

Genes: RAI1 (retinoic acid induced 1; plus strand), RAI1-AS1 (RAI1 antisense RNA 1; minus strand), SMCR5 (Smith-Magenis syndrome chromosome region, candidate 5; minus strand), LOC121587578 (Sharpr-MPRA regulatory region 10806; plus strand), LOC125177432 (Sharpr-MPRA regulatory region 1571; plus strand) and 6 more. Cytogenetic location: 17p11.2.
Variant type: copy number loss.
Change: copy number 1 (one copy instead of two) of chr17:17,726,750-17,797,183 (70.4 kb, GRCh38 coordinates, 1-based), cytogenetic band 17p11.2.
Identifiers: ClinVar variation 59584 (VCV000059584.1).

ClinVar aggregate classification (germline): Pathogenic (1 of 4 stars; one submission).

Submission:

ISCA site 14
Classification: Pathogenic. Last evaluated: 2011-08-12. Review status: criteria provided, single submitter. Criteria: Kaminsky et al. (Genet Med. 2011). Collection method: clinical testing. Allele origin: unknown. Affected: yes. Observed: 1 variant allele.
Comment: Copy number variation identified through the course of routine clinical cytogenomic testing in postnatal populations. Clinical assertions have been curated as described in Kaminsky et al. 2011.